The following is an entry in ClinVar:

ClinVar aggregate classification (germline): Conflicting classifications of pathogenicity. Review status: criteria provided, conflicting classifications (1 of 4 stars). 3 submissions from 3 submitters: Uncertain significance (1); Likely benign (2). Last evaluated 2023-03-23.

Conditions:
Hereditary cancer-predisposing syndrome. Also called: Tumor predisposition; Hereditary neoplastic syndrome; Neoplastic Syndromes, Hereditary; Hereditary Cancer Syndrome. Identifiers: Orphanet 140162, MedGen C0027672, MeSH D009386, MONDO:0015356.
Hereditary breast ovarian cancer syndrome. Also called: BRCA1- and BRCA2-Associated Hereditary Breast and Ovarian Cancer; Hereditary breast and ovarian cancer; Hereditary breast and/or ovarian cancer syndrome; Hereditary breast and ovarian cancer syndrome; Hereditary breast and ovarian cancer syndrome (HBOC); Breast and ovarian cancer. Identifiers: Orphanet 145, MedGen C0677776, MeSH D061325, MONDO:0003582. Disease mechanism: loss of function.

gnomAD v4.1: 3 of 1,607,952 alleles (0.00019%); highest among the groups gnomAD compares: South Asian, 0.0034%; no homozygotes.

Submissions (3):

University of Washington Department of Laboratory Medicine, University of Washington
Classification: Likely benign for Hereditary cancer-predisposing syndrome. Last evaluated: 2023-03-23. Review status: criteria provided, single submitter. Criteria: Dines et al. (Genet Med. 2020). Collection method: curation. Allele origin: germline.
Comment: Missense variant in a coldspot region where missense variants are very unlikely to be pathogenic (PMID:31911673).

BRCA2 exon 10 coldspot. Reclassification based on statistical prior probability.

Ambry Genetics
Classification: Likely benign for Hereditary cancer-predisposing syndrome. Last evaluated: 2021-12-11. Review status: criteria provided, single submitter. Criteria: Ambry Variant Classification Scheme 2023. Collection method: clinical testing. Allele origin: germline.

Labcorp Genetics (formerly Invitae), Labcorp
Classification: Uncertain significance for Hereditary breast ovarian cancer syndrome. Last evaluated: 2021-06-05. Review status: criteria provided, single submitter. Criteria: Invitae Variant Classification Sherloc (09022015). Collection method: clinical testing. Allele origin: germline.
Comment: In summary, the available evidence is currently insufficient to determine the role of this variant in disease. Therefore, it has been classified as a Variant of Uncertain Significance. Advanced modeling of protein sequence and biophysical properties (such as structural, functional, and spatial information, amino acid conservation, physicochemical variation, residue mobility, and thermodynamic stability) performed at Invitae indicates that this missense variant is not expected to disrupt BRCA2 protein function. This variant has not been reported in the literature in individuals with BRCA2-related conditions. This variant is not present in population databases (ExAC no frequency). This sequence change replaces histidine with asparagine at codon 523 of the BRCA2 protein (p.His523Asn). The histidine residue is weakly conserved and there is a small physicochemical difference between histidine and asparagine.

NM_000059.4(BRCA2):c.1567C>A (p.His523Asn)

Gene: BRCA2 (BRCA2 DNA repair associated; plus strand). Cytogenetic location: 13q13.1.
Variant type: single nucleotide variant.
Coding change: c.1567C>A on transcript NM_000059.4 (MANE Select); coding-DNA position 1567, C replaced by A.
Protein change: p.His523Asn; replaces histidine 523 with asparagine.
Molecular consequence: missense variant.
Genome position (GRCh38, 1-based): chr13:32,333,045, C>A. VCF-style: chr13-32333045-C-A. GRCh37 (hg19) VCF-style: chr13-32907182-C-A.
Other names: short protein forms H523N.
Identifiers: ClinVar variation 1496690 (VCV001496690.11), dbSNP rs2072416501, ClinGen allele CA387764719.
Genomic context (GRCh38, chr13:32,333,045, plus strand): 5'-AAGTCTATATTCAGAATAAGAGAATCACCTAAAGAGACTTTCAATGCAAGTTTTTCAGGT[C>A]ATATGACTGATCCAAACTTTAAAAAAGAAACTGAAGCCTCTGAAAGTGGACTGGAAATAC-3'
Protein context (NP_000050.3, residues 513-533): KETFNASFSG[His523Asn]MTDPNFKKET